The following is an entry in ClinVar:

NM_018368.4(LMBRD1):c.800G>A (p.Arg267His)

Gene: LMBRD1 (LMBR1 domain containing 1; minus strand). Cytogenetic location: 6q13.
Variant type: single nucleotide variant.
Coding change: c.800G>A on transcript NM_018368.4 (MANE Select); coding-DNA position 800, G replaced by A.
Protein change: p.Arg267His; replaces arginine 267 with histidine.
Molecular consequence: missense variant.
Genome position (GRCh38, 1-based): chr6:69,713,760, C>T on the plus strand (G>A on the coding strand, the complement: LMBRD1 is on the minus strand). VCF-style: chr6-69713760-C-T. GRCh37 (hg19) VCF-style: chr6-70423652-C-T.
Other names: c.581G>A, p.Arg194His (NM_001363722.2, NM_001367271.1, NM_001367272.1); c.800G>A (NM_018368.3); short protein forms R267H, R194H.
Identifiers: ClinVar variation 2158385 (VCV002158385.2), dbSNP rs140874824, ClinGen allele CA3879779.

ClinVar aggregate classification (germline): Uncertain significance. Review status: criteria provided, multiple submitters, no conflicts (2 of 4 stars). 2 submissions from 2 submitters: Uncertain significance (2). Last evaluated 2024-09-10.

Conditions:
Inborn genetic diseases. Identifiers: MedGen C0950123, MeSH D030342.
Methylmalonic aciduria and homocystinuria type cblF. Also called: COBALAMIN F DISEASE; COBALAMIN, DEFECT IN LYSOSOMAL RELEASE OF; METHYLMALONIC ACIDEMIA AND HOMOCYSTINURIA, cblF TYPE; METHYLMALONIC ACIDURIA DUE TO VITAMIN B12-RELEASE DEFECT; VITAMIN B12 LYSOSOMAL RELEASE DEFECT; VITAMIN B12 STORAGE DISEASE. Identifiers: Orphanet 79284, MedGen C1848578, MONDO:0010183, OMIM 277380.

Allele frequency attached by ClinVar (database versions not stated): ExAC 0.00001; gnomAD 0.00001; ESP Exome Variant Server 0.00008.
gnomAD v4.1: 10 of 1,613,484 alleles (0.00062%); highest among the groups gnomAD compares: South Asian, 0.0044%; no homozygotes.

Submissions (2):

Ambry Genetics
Classification: Uncertain significance for Inborn genetic diseases. Last evaluated: 2024-09-10. Review status: criteria provided, single submitter. Criteria: Ambry Variant Classification Scheme 2023. Collection method: clinical testing. Allele origin: germline.

Labcorp Genetics (formerly Invitae), Labcorp
Classification: Uncertain significance for Methylmalonic aciduria and homocystinuria type cblF. Last evaluated: 2022-05-20. Review status: criteria provided, single submitter. Criteria: Invitae Variant Classification Sherloc (09022015). Collection method: clinical testing. Allele origin: germline.
Comment: This sequence change replaces arginine, which is basic and polar, with histidine, which is basic and polar, at codon 267 of the LMBRD1 protein (p.Arg267His). This variant is present in population databases (rs140874824, gnomAD 0.002%). This variant has not been reported in the literature in individuals affected with LMBRD1-related conditions. Algorithms developed to predict the effect of missense changes on protein structure and function output the following: SIFT: "Deleterious"; PolyPhen-2: "Benign"; Align-GVGD: "Class C0". The histidine amino acid residue is found in multiple mammalian species, which suggests that this missense change does not adversely affect protein function. In summary, the available evidence is currently insufficient to determine the role of this variant in disease. Therefore, it has been classified as a Variant of Uncertain Significance.